The following is an entry in ClinVar:

NM_006206.6(PDGFRA):c.3142A>C (p.Ser1048Arg)

Gene: PDGFRA (platelet derived growth factor receptor alpha; plus strand). Cytogenetic location: 4q12.
Variant type: single nucleotide variant.
Coding change: c.3142A>C on transcript NM_006206.6 (MANE Select); coding-DNA position 3142, A replaced by C.
Protein change: p.Ser1048Arg; replaces serine 1048 with arginine.
Molecular consequence: missense variant.
Genome position (GRCh38, 1-based): chr4:54,295,144, A>C. VCF-style: chr4-54295144-A-C. GRCh37 (hg19) VCF-style: chr4-55161311-A-C.
Other names: c.3217A>C, p.Ser1073Arg (NM_001347828.2); c.3142A>C, p.Ser1048Arg (NM_001347829.2); c.3181A>C, p.Ser1061Arg (NM_001347830.2); short protein forms S1048R, S1073R, S1061R.
Identifiers: ClinVar variation 3930228 (VCV003930228.1).

ClinVar aggregate classification (germline): Uncertain significance (1 of 4 stars; one submission).

Conditions:
Hereditary cancer-predisposing syndrome. Also called: Tumor predisposition; Hereditary neoplastic syndrome; Hereditary Cancer Syndrome; Neoplastic Syndromes, Hereditary. Identifiers: Orphanet 140162, MedGen C0027672, MeSH D009386, MONDO:0015356.

Submission:

Ambry Genetics
Classification: Uncertain significance for Hereditary cancer-predisposing syndrome. Last evaluated: 2025-06-02. Review status: criteria provided, single submitter. Criteria: Ambry Variant Classification Scheme 2023. Collection method: clinical testing. Allele origin: germline.
Comment: The p.S1048R variant (also known as c.3142A>C), located in coding exon 22 of the PDGFRA gene, results from an A to C substitution at nucleotide position 3142. The serine at codon 1048 is replaced by arginine, an amino acid with dissimilar properties. This amino acid position is conserved. In addition, the in silico prediction for this alteration is inconclusive. Based on the available evidence, the clinical significance of this variant remains unclear.